The following is an entry in ClinVar:

ClinVar aggregate classification (germline): Uncertain significance (1 of 4 stars; one submission).

Submission:

Labcorp Genetics (formerly Invitae), Labcorp
Classification: Uncertain significance. Last evaluated: 2025-05-12. Review status: criteria provided, single submitter. Criteria: Invitae Variant Classification Sherloc (09022015). Collection method: clinical testing. Allele origin: germline.
Comment: This sequence change replaces threonine, which is neutral and polar, with isoleucine, which is neutral and non-polar, at codon 195 of the MSH3 protein (p.Thr195Ile). This variant is not present in population databases (gnomAD no frequency). This variant has not been reported in the literature in individuals affected with MSH3-related conditions. ClinVar contains an entry for this variant (Variation ID: 654185). An algorithm developed to predict the effect of missense changes on protein structure and function (PolyPhen-2) suggests that this variant is likely to be tolerated. In summary, the available evidence is currently insufficient to determine the role of this variant in disease. Therefore, it has been classified as a Variant of Uncertain Significance.

NM_002439.5(MSH3):c.584C>T (p.Thr195Ile)

Gene: MSH3 (mutS homolog 3; plus strand). Cytogenetic location: 5q14.1.
Variant type: single nucleotide variant.
Coding change: c.584C>T on transcript NM_002439.5 (MANE Select); coding-DNA position 584, C replaced by T.
Protein change: p.Thr195Ile; replaces threonine 195 with isoleucine.
Molecular consequence: missense variant.
Genome position (GRCh38, 1-based): chr5:80,670,101, C>T. VCF-style: chr5-80670101-C-T. GRCh37 (hg19) VCF-style: chr5-79965920-C-T.
Other names: short protein forms T195I.
Identifiers: ClinVar variation 654185 (VCV000654185.8), dbSNP rs1580550089, ClinGen allele CA360265871.